The following is an entry in ClinVar:

ClinVar aggregate classification (germline): Uncertain significance (1 of 4 stars; one submission).

Conditions:
STING-associated vasculopathy with onset in infancy. Also called: Sting-associated vasculopathy, infantile-onset. Identifiers: Orphanet 425120, MedGen C4014722, MONDO:0014405, OMIM 615934.

Submission:

Labcorp Genetics (formerly Invitae), Labcorp
Classification: Uncertain significance for STING-associated vasculopathy with onset in infancy. Last evaluated: 2023-12-22. Review status: criteria provided, single submitter. Criteria: Invitae Variant Classification Sherloc (09022015). Collection method: clinical testing. Allele origin: germline.
Comment: This sequence change replaces aspartic acid, which is acidic and polar, with asparagine, which is neutral and polar, at codon 231 of the TMEM173 protein (p.Asp231Asn). This variant is not present in population databases (gnomAD no frequency). This variant has not been reported in the literature in individuals affected with TMEM173-related conditions. Advanced modeling of protein sequence and biophysical properties (such as structural, functional, and spatial information, amino acid conservation, physicochemical variation, residue mobility, and thermodynamic stability) performed at Invitae indicates that this missense variant is not expected to disrupt TMEM173 protein function with a negative predictive value of 80%. In summary, the available evidence is currently insufficient to determine the role of this variant in disease. Therefore, it has been classified as a Variant of Uncertain Significance.

NM_198282.4(STING1):c.691G>A (p.Asp231Asn)

Gene: STING1 (stimulator of interferon response cGAMP interactor 1; minus strand). Cytogenetic location: 5q31.2.
Variant type: single nucleotide variant.
Coding change: c.691G>A on transcript NM_198282.4 (MANE Select); coding-DNA position 691, G replaced by A.
Protein change: p.Asp231Asn; replaces aspartic acid 231 with asparagine.
Molecular consequence: missense variant.
Genome position (GRCh38, 1-based): chr5:139,478,338, C>T on the plus strand (G>A on the coding strand, the complement: STING1 is on the minus strand). VCF-style: chr5-139478338-C-T. GRCh37 (hg19) VCF-style: chr5-138857923-C-T.
Other names: c.691G>A, p.Asp231Asn (NM_001301738.2); c.334G>A, p.Asp112Asn (NM_001367258.1); short protein forms D231N, D112N.
Identifiers: ClinVar variation 2764872 (VCV002764872.3), dbSNP rs2547062898, ClinGen allele CA361479991.